The following is an entry in ClinVar:

ClinVar aggregate classification (germline): Uncertain significance (1 of 4 stars; one submission).

Conditions:
Early Myoclonic Encephalopathy. Identifiers: MedGen C0270855.

Allele frequency attached by ClinVar (database versions not stated): TOPMed below 0.00001; gnomAD 0.00001.
gnomAD v4.1: 8 of 1,613,816 alleles (0.0005%); highest among the groups gnomAD compares: Non-Finnish European, 0.00051%; no homozygotes.

Submission:

Labcorp Genetics (formerly Invitae), Labcorp
Classification: Uncertain significance for Early Myoclonic Encephalopathy. Last evaluated: 2022-12-24. Review status: criteria provided, single submitter. Criteria: Invitae Variant Classification Sherloc (09022015). Collection method: clinical testing. Allele origin: germline.
Comment: In summary, the available evidence is currently insufficient to determine the role of this variant in disease. Therefore, it has been classified as a Variant of Uncertain Significance. Advanced modeling of protein sequence and biophysical properties (such as structural, functional, and spatial information, amino acid conservation, physicochemical variation, residue mobility, and thermodynamic stability) performed at Invitae indicates that this missense variant is not expected to disrupt JMJD1C protein function. This variant has not been reported in the literature in individuals affected with JMJD1C-related conditions. This variant is not present in population databases (gnomAD no frequency). This sequence change replaces leucine, which is neutral and non-polar, with valine, which is neutral and non-polar, at codon 534 of the JMJD1C protein (p.Leu534Val).

NM_032776.3(JMJD1C):c.1600C>G (p.Leu534Val)

Gene: JMJD1C (jumonji domain containing 1C; minus strand). Cytogenetic location: 10q21.3.
Variant type: single nucleotide variant.
Coding change: c.1600C>G on transcript NM_032776.3 (MANE Select); coding-DNA position 1600, C replaced by G.
Protein change: p.Leu534Val; replaces leucine 534 with valine.
Molecular consequence: missense variant. On other transcripts: non-coding transcript variant (1).
Genome position (GRCh38, 1-based): chr10:63,214,567, G>C on the plus strand (C>G on the coding strand, the complement: JMJD1C is on the minus strand). VCF-style: chr10-63214567-G-C. GRCh37 (hg19) VCF-style: chr10-64974327-G-C.
Other names: c.1054C>G, p.Leu352Val (NM_001282948.2, NM_001318154.2); c.736C>G, p.Leu246Val (NM_001318153.2); c.1486C>G, p.Leu496Val (NM_001322252.2); c.943C>G, p.Leu315Val (NM_001322254.2, NM_001322258.2); short protein forms L496V, L246V, L315V, L352V, L534V.
Identifiers: ClinVar variation 3010592 (VCV003010592.3), dbSNP rs1316297882, ClinGen allele CA377048499.